The following is an entry in ClinVar:

ClinVar aggregate classification (germline): Pathogenic (1 of 4 stars; one submission).

Submission:

GeneDx
Classification: Pathogenic. Last evaluated: 2021-11-26. Review status: criteria provided, single submitter. Criteria: GeneDx Variant Classification Process June 2021. Collection method: clinical testing. Allele origin: germline. Affected: yes.
Comment: Frameshift variant predicted to result in protein truncation or nonsense mediated decay in a gene for which loss-of-function is a known mechanism of disease; Not observed at significant frequency in large population cohorts (Lek et al., 2016); Truncating variants in this gene are considered pathogenic by a well-established clinical consortium and/or database; Has not been previously published as pathogenic or benign to our knowledge; Also known as 2873_2874_insGGGTG

NM_007294.4(BRCA1):c.2754_2755insGGGTG (p.Pro919fs)

Gene: BRCA1 (BRCA1 DNA repair associated; minus strand). Cytogenetic location: 17q21.31.
Variant type: Insertion.
Coding change: c.2754_2755insGGGTG on transcript NM_007294.4 (MANE Select); coding-DNA positions 2754 to 2755, GGGTG inserted.
Protein change: p.Pro919fs; shifts the reading frame from proline 919.
Molecular consequence: frameshift variant. On other transcripts: intron variant (137).
Genome position: GRCh38 VCF-style: chr17-43092776-G-GCACCC. GRCh37 (hg19) VCF-style: chr17-41244793-G-GCACCC.
Other names: c.2610_2611insGGGTG, p.Pro871fs (NM_001407846.1, NM_001407847.1, NM_001407848.1 and 20 more transcripts); c.2613_2614insGGGTG, p.Pro872fs (NM_001407850.1, NM_001407851.1, NM_001407852.1 and 29 more transcripts); c.2541_2542insGGGTG, p.Pro848fs (NM_001407853.1, NM_001407894.1, NM_001407895.1 and 9 more transcripts); c.2754_2755insGGGTG, p.Pro919fs (NM_001407854.1, NM_001407858.1, NM_001407859.1 and 31 more transcripts); c.2751_2752insGGGTG, p.Pro918fs (NM_001407860.1, NM_001407861.1, NM_001407587.1 and 22 more transcripts); c.2553_2554insGGGTG, p.Pro852fs (NM_001407862.1); c.2631_2632insGGGTG, p.Pro878fs (NM_001407863.1, NM_001407919.1, NM_001407937.1 and 19 more transcripts); c.2550_2551insGGGTG, p.Pro851fs (NM_001407874.1, NM_001407875.1); and 41 more; short protein forms P919fs, P872fs, P623fs, P751fs, P807fs, P808fs, P831fs, P852fs.
Identifiers: ClinVar variation 418838 (VCV000418838.5), dbSNP rs1064793468, ClinGen allele CA16620435.